The following is an entry in ClinVar:

ClinVar aggregate classification (germline): Uncertain significance (1 of 4 stars; one submission).

gnomAD v4.1: 8 of 1,494,334 alleles (0.00054%); highest among the groups gnomAD compares: South Asian, 0.0026%; no homozygotes.

Submission:

Ambry Genetics
Classification: Uncertain significance. Last evaluated: 2026-04-28. Review status: criteria provided, single submitter. Criteria: Ambry Variant Classification Scheme 2023. Collection method: clinical testing. Allele origin: germline.
Comment: The p.E1798K variant (also known as c.5392G>A), located in coding exon 22 of the WNK2 gene, results from a G to A substitution at nucleotide position 5392. The glutamic acid at codon 1798 is replaced by lysine, an amino acid with similar properties. This amino acid position is conserved. In addition, this alteration is predicted to be tolerated by in silico analysis. Based on the available evidence, the clinical significance of this variant remains unclear.

NM_006648.4(WNK2):c.5392G>A (p.Glu1798Lys)

Gene: WNK2 (WNK lysine deficient protein kinase 2; plus strand). Cytogenetic location: 9q22.31.
Variant type: single nucleotide variant.
Coding change: c.5392G>A on transcript NM_006648.4 (MANE Select); coding-DNA position 5392, G replaced by A.
Protein change: p.Glu1798Lys; replaces glutamic acid 1798 with lysine.
Molecular consequence: missense variant.
Genome position (GRCh38, 1-based): chr9:93,292,857, G>A. VCF-style: chr9-93292857-G-A. GRCh37 (hg19) VCF-style: chr9-96055139-G-A.
Other names: c.5503G>A, p.Glu1835Lys (NM_001282394.3); short protein forms E1798K, E1835K.
Identifiers: ClinVar variation 4866630 (VCV004866630.1).